The following is an entry in ClinVar:

NM_000722.4(CACNA2D1):c.1662+15T>C

Gene: CACNA2D1 (calcium voltage-gated channel auxiliary subunit alpha2delta 1; minus strand). Cytogenetic location: 7q21.11.
Variant type: single nucleotide variant.
Coding change: c.1662+15T>C on transcript NM_000722.4 (MANE Select); 15 bases into the intron after coding-DNA position 1662, T replaced by C.
Molecular consequence: intron variant.
Genome position (GRCh38, 1-based): chr7:81,997,164, A>G on the plus strand (T>C on the coding strand, the complement: CACNA2D1 is on the minus strand). VCF-style: chr7-81997164-A-G. GRCh37 (hg19) VCF-style: chr7-81626480-A-G.
Other names: c.1719+15T>C (NM_001366867.1); c.1662+15T>C (LRG_437t1).
Identifiers: ClinVar variation 514182 (VCV000514182.1), dbSNP rs1554345032, ClinGen allele CA658796947.
Genomic context (GRCh38, chr7:81,997,164, plus strand): 5'-CAACAGATACTTGTAGAATGAGTGCATACCAGCATCTGACCTGAGGAATTGTTTAGTCTT[A>G]CTGATTCCACTCACCTCCACTTTAATATCATTCTCTAACTCTGCATCAAGGAAATCCAAT-3'

ClinVar aggregate classification (germline): Likely benign (1 of 4 stars; one submission).

Allele frequency attached by ClinVar (database versions not stated): TOPMed below 0.00001.

Submission:

GeneDx
Classification: Likely benign. Last evaluated: 2017-12-20. Review status: criteria provided, single submitter. Criteria: GeneDx Variant Classification (06012015). Collection method: clinical testing. Allele origin: germline. Affected: yes.
Comment: This variant is considered likely benign or benign based on one or more of the following criteria: it is a conservative change, it occurs at a poorly conserved position in the protein, it is predicted to be benign by multiple in silico algorithms, and/or has population frequency not consistent with disease.